The following is an entry in ClinVar:

NM_004171.4(SLC1A2):c.92G>A (p.Arg31Gln)

Gene: SLC1A2 (solute carrier family 1 member 2; minus strand). Cytogenetic location: 11p13.
Variant type: single nucleotide variant.
Coding change: c.92G>A on transcript NM_004171.4 (MANE Select); coding-DNA position 92, G replaced by A.
Protein change: p.Arg31Gln; replaces arginine 31 with glutamine.
Molecular consequence: missense variant.
Genome position (GRCh38, 1-based): chr11:35,317,442, C>T on the plus strand (G>A on the coding strand, the complement: SLC1A2 is on the minus strand). VCF-style: chr11-35317442-C-T. GRCh37 (hg19) VCF-style: chr11-35338989-C-T.
Other names: c.65G>A, p.Arg22Gln (NM_001195728.3, NM_001252652.2); c.92G>A (NM_004171.3); short protein forms R22Q, R31Q.
Identifiers: ClinVar variation 1571617 (VCV001571617.14), dbSNP rs199599866, ClinGen allele CA5947412.

ClinVar aggregate classification (germline): Conflicting classifications of pathogenicity. Review status: criteria provided, conflicting classifications (1 of 4 stars). 6 submissions from 6 submitters: Uncertain significance (1); Benign (1); Likely benign (3). 1 of the submissions does not count toward it. Last evaluated 2026-06-15.

Conditions:
Inborn genetic diseases. Identifiers: MedGen C0950123, MeSH D030342.
Developmental and epileptic encephalopathy, 41 (DEE41). Also called: Epileptic encephalopathy, early infantile, 41. Identifiers: MedGen C4310717, MONDO:0014916, OMIM 617105.
SLC1A2-related disorder. Also called: SLC1A2-related condition.

Allele frequency attached by ClinVar (database versions not stated): ESP Exome Variant Server 0.00008; gnomAD 0.00018 and 0.00020; gnomAD exomes 0.00021 and 0.00025; TOPMed 0.00023; ExAC 0.00026.
gnomAD v4.1: 336 of 1,614,174 alleles (0.021%); highest among the groups gnomAD compares: Admixed American, 0.062%; 1 homozygote.

Submissions (6):

Women's Health and Genetics/Laboratory Corporation of America, LabCorp
Classification: Uncertain significance. Last evaluated: 2026-06-15. Review status: criteria provided, single submitter. Criteria: LabCorp Variant Classification Summary - May 2015. Collection method: clinical testing. Allele origin: germline.
Comment: Variant summary: SLC1A2 c.92G>A (p.Arg31Gln) results in a conservative amino acid change in the encoded protein sequence. Algorithms developed to predict the effect of missense changes on protein structure and function all suggest that this variant is likely to be tolerated. The variant allele was found at a frequency of 0.00025 in 251014 control chromosomes. This frequency is not significantly higher than estimated for disease-causing variants in SLC1A2, allowing no conclusion about variant significance. To our knowledge, no occurrence of c.92G>A in individuals affected with SLC1A2-related conditions and no experimental evidence demonstrating its impact on protein function have been reported. ClinVar contains an entry for this variant (Variation ID: 1571617). Based on the evidence outlined above, the variant was classified as uncertain significance.

CeGaT Center for Human Genetics Tuebingen
Classification: Likely benign. Last evaluated: 2026-06-01. Review status: criteria provided, single submitter. Criteria: CeGaT Center For Human Genetics Tuebingen Variant Classification Criteria Version 2. Collection method: clinical testing. Allele origin: germline. Affected: yes. Observed: 1 variant allele.
Comment: SLC1A2: BP4

Labcorp Genetics (formerly Invitae), Labcorp
Classification: Benign. Last evaluated: 2026-01-26. Review status: criteria provided, single submitter. Criteria: Invitae Variant Classification Sherloc (09022015). Collection method: clinical testing. Allele origin: germline.

Ambry Genetics
Classification: Likely benign for Inborn genetic diseases. Last evaluated: 2024-04-19. Review status: criteria provided, single submitter. Criteria: Ambry Variant Classification Scheme 2023. Collection method: clinical testing. Allele origin: germline.

ARUP Laboratories, Molecular Genetics and Genomics, ARUP Laboratories
Classification: Likely benign for Developmental and epileptic encephalopathy, 41. Last evaluated: 2023-11-14. Review status: criteria provided, single submitter. Criteria: ARUP Molecular Germline Variant Investigation Process 2024. Collection method: clinical testing. Allele origin: germline.

PreventionGenetics, part of Exact Sciences
Classification: Likely benign for SLC1A2-related condition. Last evaluated: 2022-07-28. Review status: no assertion criteria provided. Collection method: clinical testing. Allele origin: germline. Not counted in ClinVar's aggregate classification.
Comment: This variant is classified as likely benign based on ACMG/AMP sequence variant interpretation guidelines (Richards et al. 2015 PMID: 25741868, with internal and published modifications).